The following is an entry in ClinVar:

NM_001349338.3(FOXP1):c.1652+5G>C

Gene: FOXP1 (forkhead box P1; minus strand). Cytogenetic location: 3p13.
Variant type: single nucleotide variant.
Coding change: c.1652+5G>C on transcript NM_001349338.3 (MANE Select); 5 bases into the intron after coding-DNA position 1652, G replaced by C.
Molecular consequence: intron variant.
Genome position (GRCh38, 1-based): chr3:70,972,550, C>G on the plus strand (G>C on the coding strand, the complement: FOXP1 is on the minus strand). VCF-style: chr3-70972550-C-G. GRCh37 (hg19) VCF-style: chr3-71021701-C-G.
Other names: c.1652+5G>C (NM_032682.5, NM_032682.6, NM_001349340.3 and 2 more transcripts); c.1531-370G>C (NM_001244810.2); c.1649+5G>C (NM_001349341.3, NM_001244808.3); c.1424+5G>C (NM_001244812.3); c.1349+5G>C (NM_001349343.3, NM_001349337.2, NM_001370548.1 and 1 more transcripts); c.1352+5G>C (NM_001349342.3, NM_001244815.2, NM_001244813.3).
Identifiers: ClinVar variation 981370 (VCV000981370.4), dbSNP rs794727216, ClinGen allele CA1139658152.
Genomic context (GRCh38, chr3:70,972,550, plus strand): 5'-CCTCTACGTTATACTTGTTAGCACAATCCAAGCTAGGCTAAGAAGTTCAAACATGGTGGA[C>G]GTACCCACTGATCTTTTGTGGCCTTCGTTTTTGGAATTCTACTTCATCCACTGTCCATAC-3'

ClinVar aggregate classification (germline): Pathogenic/Likely pathogenic. Review status: criteria provided, multiple submitters, no conflicts (2 of 4 stars). 2 submissions from 2 submitters: Pathogenic (1); Likely pathogenic (1). Last evaluated 2021-08-06.

Conditions:
Inborn genetic diseases. Identifiers: MedGen C0950123, MeSH D030342.
Intellectual disability. Also called: intellectual disabilities; Intellectual developmental disorder; Intellectual functioning disability. Identifiers: MedGen C3714756, MeSH D008607, MONDO:0001071, HP:0001249.

Submissions (2):

Ambry Genetics
Classification: Pathogenic for Inborn genetic diseases. Last evaluated: 2021-08-06. Review status: criteria provided, single submitter. Criteria: Ambry Variant Classification Scheme 2023. Collection method: clinical testing. Allele origin: germline.
Comment: The c.1652+5G>C intronic alteration results from a G to C substitution 5 nucleotides after exon 18 (coding exon 13) of the FOXP1 gene. Based on data from the Genome Aggregation Database (gnomAD), the FOXP1 c.1652+5G>C alteration was not observed, with coverage at this position. This nucleotide position is highly conserved in available vertebrate species. RNA studies have demonstrated that this alteration results in abnormal splicing in the set of samples tested (Ambry internal data). In silico splice site analysis predicts that this alteration will weaken the native splice donor site and may result in the creation or strengthening of a novel splice donor site. Based on the available evidence, this alteration is classified as pathogenic.

Diagnostic Laboratory, Strasbourg University Hospital
Classification: Likely pathogenic for Intellectual disability. Last evaluated: 2020-09-10. Review status: criteria provided, single submitter. Criteria: ACMG Guidelines, 2015. Collection method: clinical testing. Allele origin: de novo. Affected: yes. Observed: 1 heterozygote.